The following is an entry in ClinVar:

NM_006073.4(TRDN):c.793+78T>C

Gene: TRDN (triadin; minus strand). Cytogenetic location: 6q22.31.
Variant type: single nucleotide variant.
Coding change: c.793+78T>C on transcript NM_006073.4 (MANE Select); 78 bases into the intron after coding-DNA position 793, T replaced by C.
Molecular consequence: intron variant. On other transcripts: 3 prime UTR variant (1).
Genome position (GRCh38, 1-based): chr6:123,503,641, A>G on the plus strand (T>C on the coding strand, the complement: TRDN is on the minus strand). VCF-style: chr6-123503641-A-G. GRCh37 (hg19) VCF-style: chr6-123824786-A-G.
Other names: c.*10T>C (NM_001256021.2); c.793+78T>C (NM_001407315.1, NM_001251987.2, NM_001256020.2).
Identifiers: ClinVar variation 3351139 (VCV003351139.1).

ClinVar aggregate classification (germline): Likely benign (0 of 4 stars; one submission).

Conditions:
TRDN-related disorder. Also called: TRDN-related condition.

gnomAD v4.1: 20 of 1,583,644 alleles (0.0013%); highest among the groups gnomAD compares: Admixed American, 0.0055%; no homozygotes.

Submission:

PreventionGenetics, part of Exact Sciences
Classification: Likely benign for TRDN-related condition. Last evaluated: 2024-07-04. Review status: no assertion criteria provided. Collection method: clinical testing. Allele origin: germline.
Comment: This variant is classified as likely benign based on ACMG/AMP sequence variant interpretation guidelines (Richards et al. 2015 PMID: 25741868, with internal and published modifications).